The following is an entry in ClinVar:

NM_020795.4(NLGN2):c.1504G>A (p.Asp502Asn)

Gene: NLGN2 (neuroligin 2; plus strand). Cytogenetic location: 17p13.1.
Variant type: single nucleotide variant.
Coding change: c.1504G>A on transcript NM_020795.4 (MANE Select); coding-DNA position 1504, G replaced by A.
Protein change: p.Asp502Asn; replaces aspartic acid 502 with asparagine.
Molecular consequence: missense variant.
Genome position (GRCh38, 1-based): chr17:7,415,977, G>A. VCF-style: chr17-7415977-G-A. GRCh37 (hg19) VCF-style: chr17-7319296-G-A.
Other names: short protein forms D502N.
Identifiers: ClinVar variation 3657142 (VCV003657142.2).
Genomic context (GRCh38, chr17:7,415,977, plus strand): 5'-ACCTTCTACCACCACTGCCAGGCGGAGGGCCGGCCTGAGTGGGCAGATGCGGCGCACGGG[G>A]ATGAACTGCCCTATGTCTTTGGCGTGCCCATGGTGGGTGCCACCGACCTCTTCCCCTGTA-3'
Protein context (NP_065846.1, residues 492-512): RPEWADAAHG[Asp502Asn]ELPYVFGVPM

ClinVar aggregate classification (germline): Uncertain significance (1 of 4 stars; one submission).

Submission:

Labcorp Genetics (formerly Invitae), Labcorp
Classification: Uncertain significance. Last evaluated: 2024-06-20. Review status: criteria provided, single submitter. Criteria: Invitae Variant Classification Sherloc (09022015). Collection method: clinical testing. Allele origin: germline.
Comment: This sequence change replaces aspartic acid, which is acidic and polar, with asparagine, which is neutral and polar, at codon 502 of the NLGN2 protein (p.Asp502Asn). This variant is not present in population databases (gnomAD no frequency). This variant has not been reported in the literature in individuals affected with NLGN2-related conditions. Advanced modeling of protein sequence and biophysical properties (such as structural, functional, and spatial information, amino acid conservation, physicochemical variation, residue mobility, and thermodynamic stability) performed at Invitae indicates that this missense variant is expected to disrupt NLGN2 protein function with a positive predictive value of 80%. In summary, the available evidence is currently insufficient to determine the role of this variant in disease. Therefore, it has been classified as a Variant of Uncertain Significance.